The following is an entry in ClinVar:

NM_003998.4(NFKB1):c.1402C>T (p.Gln468Ter)

Gene: NFKB1 (nuclear factor kappa B subunit 1; plus strand). Cytogenetic location: 4q24.
Variant type: single nucleotide variant.
Coding change: c.1402C>T on transcript NM_003998.4 (MANE Select); coding-DNA position 1402, C replaced by T.
Protein change: p.Gln468Ter; replaces glutamine 468 with a stop codon.
Molecular consequence: nonsense.
Genome position (GRCh38, 1-based): chr4:102,596,239, C>T. VCF-style: chr4-102596239-C-T. GRCh37 (hg19) VCF-style: chr4-103517396-C-T.
Other names: c.1402C>T, p.Gln468Ter (LRG_1316t1); c.1399C>T, p.Gln467Ter (NM_001165412.2, NM_001319226.2); short protein forms Q468*, Q467*.
Identifiers: ClinVar variation 636403 (VCV000636403.2), dbSNP rs939459600, ClinGen allele CA357751024.
Genomic context (GRCh38, chr4:102,596,239, plus strand): 5'-GACAAAAGTGATGACAAAAACACTGTAAACCTCTTTGGGAAAGTTATTGAAACCACAGAG[C>T]AAGATCAGGAGCCCAGCGAGGCCACCGTTGGGAATGGTGAGGTCACTCTAACGTATGCAA-3'

ClinVar aggregate classification (germline): Pathogenic (1 of 4 stars; one submission).

Conditions:
Immunodeficiency, common variable, 12 (CVID12). Also called: IMMUNODEFICIENCY, COMMON VARIABLE, 12, WITH AUTOIMMUNITY; NFKB1 DEFICIENCY. Identifiers: Orphanet 1572, Orphanet 696874, MedGen C4225277, MONDO:0014697, OMIM 616576.

Submission:

3billion
Classification: Pathogenic for Immunodeficiency, common variable, 12. Last evaluated: 2023-12-08. Review status: criteria provided, single submitter. Criteria: ACMG Guidelines, 2015. Collection method: clinical testing. Allele origin: germline. Affected: yes.
Comment: The variant is not observed in the gnomAD v2.1.1 dataset. Predicted Consequence/Location: Stop-gained (nonsense): predicted to result in a loss or disruption of normal protein function through nonsense-mediated decay (NMD) or protein truncation. Multiple pathogenic variants are reported downstream of the variant. The variant has been reported to be associated with NFKB1-related disorder (ClinVar ID: VCV000636403). Therefore, this variant is classified as Pathogenic according to the recommendation of ACMG/AMP guideline.